The following is an entry in ClinVar:

ClinVar aggregate classification (germline): Uncertain significance (0 of 4 stars; one submission).

Submission:

Leiden Open Variation Database
Classification: Uncertain significance. Last evaluated: 2018-10-10. Review status: no assertion criteria provided. Collection method: curation. Allele origin: germline. Affected: yes.
Comment: Curators: Marc Tischkowitz, Arleen D. Auerbach. Submitter to LOVD: Yukihide Momozawa.

Literature cited by the submitters: PubMed 30287823.

NM_024675.4(PALB2):c.2206G>T (p.Ala736Ser)

Gene: PALB2 (partner and localizer of BRCA2; minus strand). Cytogenetic location: 16p12.2.
Variant type: single nucleotide variant.
Coding change: c.2206G>T on transcript NM_024675.4 (MANE Select); coding-DNA position 2206, G replaced by T.
Protein change: p.Ala736Ser; replaces alanine 736 with serine.
Molecular consequence: missense variant.
Genome position (GRCh38, 1-based): chr16:23,629,948, C>A on the plus strand (G>T on the coding strand, the complement: PALB2 is on the minus strand). VCF-style: chr16-23629948-C-A. GRCh37 (hg19) VCF-style: chr16-23641269-C-A.
Other names: short protein forms A736S.
Identifiers: ClinVar variation 830160 (VCV000830160.1), dbSNP rs1966859014, ClinGen allele CA395125581.